The following is an entry in ClinVar:

NM_000548.5(TSC2):c.5421G>A (p.Val1807=)

Gene: TSC2 (TSC complex subunit 2; plus strand). Cytogenetic location: 16p13.3.
Variant type: single nucleotide variant.
Coding change: c.5421G>A on transcript NM_000548.5 (MANE Select); coding-DNA position 5421, G replaced by A.
Protein change: p.Val1807=; no amino-acid change (valine 1807 retained).
Molecular consequence: synonymous variant.
Genome position (GRCh38, 1-based): chr16:2,088,607, G>A. VCF-style: chr16-2088607-G-A. GRCh37 (hg19) VCF-style: chr16-2138608-G-A.
Other names: c.5220G>A, p.Val1740= (NM_001077183.3); c.5352G>A, p.Val1784= (NM_001114382.3); c.5112G>A, p.Val1704= (NM_001318827.2); c.5076G>A, p.Val1692= (NM_001318829.2); c.4689G>A, p.Val1563= (NM_001318831.2); c.5253G>A, p.Val1751= (NM_001318832.2); c.5223G>A, p.Val1741= (NM_001363528.2); c.5289G>A, p.Val1763= (NM_001370404.1); and 2 more.
Identifiers: ClinVar variation 752092 (VCV000752092.15), dbSNP rs1596464773, ClinGen allele CA493043873.
Genomic context (GRCh38, chr16:2,088,607, plus strand): 5'-CTATGAGGTGGGCCAGCGGAAGCGCCTCATCTCCTCGGTGGAGGACTTCACCGAGTTTGT[G>A]TGAGGCCGGGGCCCTCCCTCCTGCACTGGCCTTGGACGGTATTGCCTGTCAGTGAAATAA-3'
Protein context (NP_000539.2, residues 1797-1807): ISSVEDFTEF[Val1807=]

ClinVar aggregate classification (germline): Benign/Likely benign. Review status: criteria provided, multiple submitters, no conflicts (2 of 4 stars). 4 submissions from 4 submitters: Benign (1); Likely benign (3). Last evaluated 2025-12-12.

Conditions:
Tuberous sclerosis syndrome (TSC). Also called: Tuberous sclerosis; Tuberous Sclerosis Complex. Identifiers: Orphanet 805, MedGen C0041341, MONDO:0001734.
Tuberous sclerosis 2 (TSC2). Identifiers: Orphanet 805, MedGen C1860707, MONDO:0013199, OMIM 613254.
Hereditary cancer-predisposing syndrome. Also called: Tumor predisposition; Hereditary Cancer Syndrome; Neoplastic Syndromes, Hereditary; Hereditary neoplastic syndrome. Identifiers: Orphanet 140162, MedGen C0027672, MeSH D009386, MONDO:0015356.

gnomAD v4.1: 2 of 1,602,504 alleles (0.00012%); highest among the groups gnomAD compares: Non-Finnish European, 0.00017%; no homozygotes.

Submissions (4):

Labcorp Genetics (formerly Invitae), Labcorp
Classification: Likely benign for Tuberous sclerosis 2. Last evaluated: 2025-12-12. Review status: criteria provided, single submitter. Criteria: Invitae Variant Classification Sherloc (09022015). Collection method: clinical testing. Allele origin: germline.

Myriad Genetics, Inc.
Classification: Benign for Tuberous sclerosis 2. Last evaluated: 2025-06-09. Review status: criteria provided, single submitter. Criteria: Myriad Autosomal Dominant, Autosomal Recessive and X-Linked Classification Criteria (2023). Collection method: clinical testing. Allele origin: unknown.
Comment: This variant is considered benign. This variant is a silent/synonymous amino acid change and it is not expected to impact splicing.

All of Us Research Program, National Institutes of Health
Classification: Likely benign for Tuberous sclerosis syndrome. Last evaluated: 2023-12-01. Review status: criteria provided, single submitter. Criteria: ACMG Guidelines, 2015. Collection method: clinical testing. Allele origin: germline. Inheritance: Autosomal dominant inheritance. Observed: 3 variant alleles, 3 heterozygotes.
Comment: This study involves interpretation of variants in research participants for the purpose of population health screening. Participant phenotype was not available at the time of variant classification. Additional details can be found in publication PMID: 35346344, PMCID: PMC8962531

Ambry Genetics
Classification: Likely benign for Hereditary cancer-predisposing syndrome. Last evaluated: 2020-01-28. Review status: criteria provided, single submitter. Criteria: Ambry Variant Classification Scheme 2023. Collection method: clinical testing. Allele origin: germline.